The following is an entry in ClinVar:

NM_001177693.2(ARHGEF28):c.820G>T (p.Asp274Tyr)

Gene: ARHGEF28 (Rho guanine nucleotide exchange factor 28; plus strand). Cytogenetic location: 5q13.2.
Variant type: single nucleotide variant.
Coding change: c.820G>T on transcript NM_001177693.2 (MANE Select); coding-DNA position 820, G replaced by T.
Protein change: p.Asp274Tyr; replaces aspartic acid 274 with tyrosine.
Molecular consequence: missense variant.
Genome position (GRCh38, 1-based): chr5:73,776,676, G>T. VCF-style: chr5-73776676-G-T. GRCh37 (hg19) VCF-style: chr5-73072501-G-T.
Other names: c.820G>T, p.Asp274Tyr (NM_001080479.3, NM_001388078.1); c.526G>T, p.Asp176Tyr (NM_001388076.1); short protein forms D176Y, D274Y.
Identifiers: ClinVar variation 3042764 (VCV003042764.2), dbSNP rs184555497, ClinGen allele CA3304302.

ClinVar aggregate classification (germline): Likely benign (0 of 4 stars; one submission).

Conditions:
ARHGEF28-related disorder. Also called: ARHGEF28-related condition.

Allele frequency attached by ClinVar (database versions not stated): ESP Exome Variant Server 0.00049; gnomAD 0.00053; TOPMed 0.00053; gnomAD exomes 0.00057; 1000 Genomes Project 0.00060; 1000 Genomes Project 30x 0.00062; ExAC 0.00090.
gnomAD v4.1: 944 of 1,613,152 alleles (0.059%); highest among the groups gnomAD compares: Middle Eastern, 1%; 7 homozygotes.

Submission:

PreventionGenetics, part of Exact Sciences
Classification: Likely benign for ARHGEF28-related condition. Last evaluated: 2022-04-05. Review status: no assertion criteria provided. Collection method: clinical testing. Allele origin: germline.
Comment: This variant is classified as likely benign based on ACMG/AMP sequence variant interpretation guidelines (Richards et al. 2015 PMID: 25741868, with internal and published modifications).